The following is an entry in ClinVar:

ClinVar aggregate classification (germline): Uncertain significance. Review status: criteria provided, multiple submitters, no conflicts (2 of 4 stars). 3 submissions from 3 submitters: Uncertain significance (2). 1 of the submissions does not count toward it. Last evaluated 2024-09-02.

Conditions:
PKD1-related disorder. Also called: PKD1-related condition.
Polycystic kidney disease, adult type (PKD1). Also called: Polycystic Kidney Disease 1, Autosomal Dominant; Polycystic kidney disease 1; Polycystic kidney disease 1, severe; POLYCYSTIC KIDNEY DISEASE 1 WITH OR WITHOUT POLYCYSTIC LIVER DISEASE; POLYCYSTIC KIDNEY DISEASE, ADULT, TYPE I; Polycystic Kidney, Autosomal Dominant. Identifiers: MedGen C3149841, MONDO:0008263, OMIM 173900.

gnomAD v4.1: 81 of 1,610,432 alleles (0.005%); highest among the groups gnomAD compares: Middle Eastern, 0.022%; no homozygotes.

Submissions (3):

Blueprint Genetics
Classification: Uncertain significance. Last evaluated: 2024-09-02. Review status: criteria provided, single submitter. Criteria: ACMG Guidelines, 2015. Collection method: clinical testing. Allele origin: germline.

Department of Pathology and Laboratory Medicine, Sinai Health System
Classification: Uncertain significance for Polycystic kidney disease, adult type. Last evaluated: 2020-06-15. Review status: criteria provided, single submitter. Criteria: ACMG Guidelines, 2015. Collection method: research. Allele origin: germline.

PreventionGenetics, part of Exact Sciences
Classification: Uncertain significance for PKD1-related condition. Last evaluated: 2024-06-24. Review status: no assertion criteria provided. Collection method: clinical testing. Allele origin: germline. Not counted in ClinVar's aggregate classification.
Comment: The PKD1 c.2695C>G variant is predicted to result in the amino acid substitution p.Leu899Val. This variant has been reported as a variant of uncertain significance in multiple individuals with polycystic kidney disease (Table S3 and Table S6, Hwang et al. 2016. PubMed ID: 26453610; Table S6, Carrera et al. 2016. PubMed ID: 27499327). This variant is reported in 0.0095% of alleles in individuals of European (Non-Finnish) descent in gnomAD. At this time, the clinical significance of this variant is uncertain due to the absence of conclusive functional and genetic evidence.

NM_001009944.3(PKD1):c.2695C>G (p.Leu899Val)

Gene: PKD1 (polycystin 1, transient receptor potential channel interacting; minus strand). Cytogenetic location: 16p13.3.
Variant type: single nucleotide variant.
Coding change: c.2695C>G on transcript NM_001009944.3 (MANE Select); coding-DNA position 2695, C replaced by G.
Protein change: p.Leu899Val; replaces leucine 899 with valine.
Molecular consequence: missense variant.
Genome position (GRCh38, 1-based): chr16:2,114,328, G>C on the plus strand (C>G on the coding strand, the complement: PKD1 is on the minus strand). VCF-style: chr16-2114328-G-C. GRCh37 (hg19) VCF-style: chr16-2164329-G-C.
Other names: c.2695C>G, p.Leu899Val (NM_000296.4); short protein forms L899V.
Identifiers: ClinVar variation 3352456 (VCV003352456.3).
Genomic context (GRCh38, chr16:2,114,328, plus strand): 5'-GGCTGGCGCTGTTTTCCACCACCACGTCCACCACGTGCTCCCCCTCACTGAGCCACGGCA[G>C]TGCTACCACTGAGAACAGGGTATCGTTGGTCTCCCAGGGGCAGCCGGGCACGAAGGTGGC-3'
Protein context (NP_001009944.3, residues 889-909): TNDTLFSVVA[Leu899Val]PWLSEGEHVV